The following is an entry in ClinVar:

NM_000135.4(FANCA):c.2893C>G (p.Pro965Ala)

Gene: FANCA (FA complementation group A; minus strand). Cytogenetic location: 16q24.3.
Variant type: single nucleotide variant.
Coding change: c.2893C>G on transcript NM_000135.4 (MANE Select); coding-DNA position 2893, C replaced by G.
Protein change: p.Pro965Ala; replaces proline 965 with alanine.
Molecular consequence: missense variant.
Genome position (GRCh38, 1-based): chr16:89,758,665, G>C on the plus strand (C>G on the coding strand, the complement: FANCA is on the minus strand). VCF-style: chr16-89758665-G-C. GRCh37 (hg19) VCF-style: chr16-89825073-G-C.
Other names: c.2893C>G, p.Pro965Ala (NM_001286167.3); short protein forms P965A.
Identifiers: ClinVar variation 2154185 (VCV002154185.4), dbSNP rs1275732948, ClinGen allele CA397431420.

ClinVar aggregate classification (germline): Uncertain significance. Review status: criteria provided, multiple submitters, no conflicts (2 of 4 stars). 2 submissions from 2 submitters: Uncertain significance (2). Last evaluated 2025-01-30.

Conditions:
Inborn genetic diseases. Identifiers: MedGen C0950123, MeSH D030342.
Fanconi anemia (FA). Also called: Fanconi's anemia. Identifiers: Orphanet 84, MedGen C0015625, MeSH D005199, MONDO:0019391.

Allele frequency attached by ClinVar (database versions not stated): TOPMed below 0.00001.
gnomAD v4.1: 1 of 1,614,046 alleles (0.000062%); highest among the groups gnomAD compares: Non-Finnish European, 0.000085%; no homozygotes.

Submissions (2):

Ambry Genetics
Classification: Uncertain significance for Inborn genetic diseases. Last evaluated: 2025-01-30. Review status: criteria provided, single submitter. Criteria: Ambry Variant Classification Scheme 2023. Collection method: clinical testing. Allele origin: germline.
Comment: The p.P965A variant (also known as c.2893C>G), located in coding exon 30 of the FANCA gene, results from a C to G substitution at nucleotide position 2893. The proline at codon 965 is replaced by alanine, an amino acid with highly similar properties. This amino acid position is conserved. In addition, the in silico prediction for this alteration is inconclusive. Based on the available evidence, the clinical significance of this variant remains unclear.

Labcorp Genetics (formerly Invitae), Labcorp
Classification: Uncertain significance for Fanconi anemia. Last evaluated: 2024-04-11. Review status: criteria provided, single submitter. Criteria: Invitae Variant Classification Sherloc (09022015). Collection method: clinical testing. Allele origin: germline.
Comment: This sequence change replaces proline, which is neutral and non-polar, with alanine, which is neutral and non-polar, at codon 965 of the FANCA protein (p.Pro965Ala). This variant is present in population databases (no rsID available, gnomAD 0.007%). This variant has not been reported in the literature in individuals affected with FANCA-related conditions. ClinVar contains an entry for this variant (Variation ID: 2154185). Advanced modeling of protein sequence and biophysical properties (such as structural, functional, and spatial information, amino acid conservation, physicochemical variation, residue mobility, and thermodynamic stability) performed at Invitae indicates that this missense variant is expected to disrupt FANCA protein function with a positive predictive value of 80%. In summary, the available evidence is currently insufficient to determine the role of this variant in disease. Therefore, it has been classified as a Variant of Uncertain Significance.